The following is an entry in ClinVar:

ClinVar aggregate classification (germline): Conflicting classifications of pathogenicity. Review status: criteria provided, conflicting classifications (1 of 4 stars). 3 submissions from 3 submitters: Uncertain significance (1); Likely benign (2). Last evaluated 2024-02-01.

Conditions:
Charcot-Marie-Tooth disease axonal type 2C (HMSN2C). Also called: CHARCOT-MARIE-TOOTH DISEASE, AXONAL, AUTOSOMAL DOMINANT, TYPE 2C; Charcot-Marie-Tooth Neuropathy Type 2C; Charcot-Marie-Tooth Disease Type 2, TRPV4-Related (CMT2C). Identifiers: Orphanet 99937, MedGen C1853710, MONDO:0011633, OMIM 606071.

Allele frequency attached by ClinVar (database versions not stated): gnomAD 0.00001; ExAC 0.00002; gnomAD exomes 0.00002.

Submissions (3):

CeGaT Center for Human Genetics Tuebingen
Classification: Likely benign. Last evaluated: 2024-02-01. Review status: criteria provided, single submitter. Criteria: CeGaT Center For Human Genetics Tuebingen Variant Classification Criteria Version 2. Collection method: clinical testing. Allele origin: germline. Affected: yes. Observed: 1 variant allele.
Comment: TRPV4: BP4, BP7

Labcorp Genetics (formerly Invitae), Labcorp
Classification: Likely benign for Charcot-Marie-Tooth disease axonal type 2C. Last evaluated: 2023-07-13. Review status: criteria provided, single submitter. Criteria: Invitae Variant Classification Sherloc (09022015). Collection method: clinical testing. Allele origin: germline.

GeneDx
Classification: Uncertain significance. Last evaluated: 2019-06-06. Review status: criteria provided, single submitter. Criteria: GeneDx Variant Classification Process June 2021. Collection method: clinical testing. Allele origin: germline. Affected: yes.
Comment: Not observed at a significant frequency in large population cohorts (Lek et al., 2016); Has not been previously published as pathogenic or benign to our knowledge; In silico analysis, which includes splice predictors and evolutionary conservation, suggests this variant may impact gene splicing. In the absence of RNA/functional studies, the actual effect of this sequence change is unknown.

NM_021625.5(TRPV4):c.2349G>A (p.Val783=)

Gene: TRPV4 (transient receptor potential cation channel subfamily V member 4; minus strand). Cytogenetic location: 12q24.11.
Variant type: single nucleotide variant.
Coding change: c.2349G>A on transcript NM_021625.5 (MANE Select); coding-DNA position 2349, G replaced by A.
Protein change: p.Val783=; no amino-acid change (valine 783 retained).
Molecular consequence: synonymous variant.
Genome position (GRCh38, 1-based): chr12:109,784,425, C>T on the plus strand (G>A on the coding strand, the complement: TRPV4 is on the minus strand). VCF-style: chr12-109784425-C-T. GRCh37 (hg19) VCF-style: chr12-110222230-C-T.
Other names: c.2208G>A, p.Val736= (NM_001177428.2); c.2247G>A, p.Val749= (NM_001177431.2); c.2028G>A, p.Val676= (NM_001177433.2); c.2169G>A, p.Val723= (NM_147204.3).
Identifiers: ClinVar variation 1120272 (VCV001120272.31), dbSNP rs778478432, ClinGen allele CA6779939.